The following is an entry in ClinVar:

ClinVar aggregate classification (germline): Uncertain significance. Review status: criteria provided, single submitter (1 of 4 stars). 2 submissions from 2 submitters: Uncertain significance (1). 1 of the submissions does not count toward it. Last evaluated 2024-06-21.

Conditions:
KIDINS220-related disorder. Also called: KIDINS220-related condition.

Allele frequency attached by ClinVar (database versions not stated): gnomAD exomes below 0.00001 and 0.00002; TOPMed below 0.00001; ExAC 0.00001.
gnomAD v4.1: 6 of 1,603,782 alleles (0.00037%); highest among the groups gnomAD compares: Admixed American, 0.01%; no homozygotes.

Submissions (2):

Labcorp Genetics (formerly Invitae), Labcorp
Classification: Uncertain significance. Last evaluated: 2024-06-21. Review status: criteria provided, single submitter. Criteria: Invitae Variant Classification Sherloc (09022015). Collection method: clinical testing. Allele origin: germline.
Comment: This sequence change replaces proline, which is neutral and non-polar, with leucine, which is neutral and non-polar, at codon 1169 of the KIDINS220 protein (p.Pro1169Leu). This variant is present in population databases (rs769377695, gnomAD 0.01%). This variant has not been reported in the literature in individuals affected with KIDINS220-related conditions. ClinVar contains an entry for this variant (Variation ID: 1402803). Experimental studies and prediction algorithms are not available or were not evaluated, and the functional significance of this variant is currently unknown. In summary, the available evidence is currently insufficient to determine the role of this variant in disease. Therefore, it has been classified as a Variant of Uncertain Significance.

PreventionGenetics, part of Exact Sciences
Classification: Uncertain significance for KIDINS220-related condition. Last evaluated: 2024-01-31. Review status: no assertion criteria provided. Collection method: clinical testing. Allele origin: germline. Not counted in ClinVar's aggregate classification.
Comment: The KIDINS220 c.3506C>T variant is predicted to result in the amino acid substitution p.Pro1169Leu. To our knowledge, this variant has not been reported in the literature. This variant is reported in 0.016% of alleles in individuals of Latino descent in gnomAD. At this time, the clinical significance of this variant is uncertain due to the absence of conclusive functional and genetic evidence.

NM_020738.4(KIDINS220):c.3506C>T (p.Pro1169Leu)

Gene: KIDINS220 (kinase D interacting substrate 220; minus strand). Cytogenetic location: 2p25.1.
Variant type: single nucleotide variant.
Coding change: c.3506C>T on transcript NM_020738.4 (MANE Select); coding-DNA position 3506, C replaced by T.
Protein change: p.Pro1169Leu; replaces proline 1169 with leucine.
Molecular consequence: missense variant. On other transcripts: non-coding transcript variant (1), intron variant (8).
Genome position (GRCh38, 1-based): chr2:8,747,909, G>A on the plus strand (C>T on the coding strand, the complement: KIDINS220 is on the minus strand). VCF-style: chr2-8747909-G-A. GRCh37 (hg19) VCF-style: chr2-8888039-G-A.
Other names: c.3509C>T, p.Pro1170Leu (NM_001348729.2, NM_001348731.2); c.3506C>T, p.Pro1169Leu (NM_001348732.2, NM_001348738.2); c.3414+2203C>T (NM_001348741.2, NM_001348742.2, NM_001348743.2 and 1 more transcripts); c.3417+2203C>T (NM_001348739.2, NM_001348740.2, NM_001348734.2); c.3288+2203C>T (NM_001348736.2); c.3506C>T (NM_020738.2); short protein forms P1169L, P1170L.
Identifiers: ClinVar variation 1402803 (VCV001402803.7), dbSNP rs769377695, ClinGen allele CA1519637.